The following is an entry in ClinVar:

ClinVar aggregate classification (germline): Uncertain significance (1 of 4 stars; one submission).

Allele frequency attached by ClinVar (database versions not stated): gnomAD 0.00002 and 0.00003; TOPMed 0.00002; gnomAD exomes 0.00005; ExAC 0.00006.
gnomAD v4.1: 135 of 1,614,076 alleles (0.0084%); highest among the groups gnomAD compares: Non-Finnish European, 0.01%; no homozygotes.

Submission:

Labcorp Genetics (formerly Invitae), Labcorp
Classification: Uncertain significance. Last evaluated: 2024-05-15. Review status: criteria provided, single submitter. Criteria: Invitae Variant Classification Sherloc (09022015). Collection method: clinical testing. Allele origin: germline.
Comment: This sequence change replaces histidine, which is basic and polar, with arginine, which is basic and polar, at codon 684 of the EPHA4 protein (p.His684Arg). This variant is present in population databases (rs754610340, gnomAD 0.05%). This variant has not been reported in the literature in individuals affected with EPHA4-related conditions. ClinVar contains an entry for this variant (Variation ID: 1435436). Advanced modeling of protein sequence and biophysical properties (such as structural, functional, and spatial information, amino acid conservation, physicochemical variation, residue mobility, and thermodynamic stability) performed at Invitae indicates that this missense variant is not expected to disrupt EPHA4 protein function with a negative predictive value of 80%. In summary, the available evidence is currently insufficient to determine the role of this variant in disease. Therefore, it has been classified as a Variant of Uncertain Significance.

NM_004438.5(EPHA4):c.2051A>G (p.His684Arg)

Gene: EPHA4 (EPH receptor A4; minus strand). Cytogenetic location: 2q36.1.
Variant type: single nucleotide variant.
Coding change: c.2051A>G on transcript NM_004438.5 (MANE Select); coding-DNA position 2051, A replaced by G.
Protein change: p.His684Arg; replaces histidine 684 with arginine.
Molecular consequence: missense variant.
Genome position (GRCh38, 1-based): chr2:221,442,852, T>C on the plus strand (A>G on the coding strand, the complement: EPHA4 is on the minus strand). VCF-style: chr2-221442852-T-C. GRCh37 (hg19) VCF-style: chr2-222307572-T-C.
Other names: c.2051A>G, p.His684Arg (NM_001304536.2, NM_001363748.2); c.1898A>G, p.His633Arg (NM_001304537.2); short protein forms H633R, H684R.
Identifiers: ClinVar variation 1435436 (VCV001435436.6), dbSNP rs754610340, ClinGen allele CA2134882.